The following is an entry in ClinVar:

ClinVar aggregate classification (germline): Uncertain significance (1 of 4 stars; one submission).

Conditions:
Hereditary sensory and autonomic neuropathy type 6. Also called: Neuropathy, hereditary sensory and autonomic, type VI; HSAN VI. Identifiers: Orphanet 314381, MedGen C3539003, MONDO:0013839, OMIM 614653.
Epidermolysis bullosa simplex 3, localized or generalized intermediate, with BP230 deficiency (EBS3). Also called: Epidermolysis bullosa simplex, autosomal recessive 2; Epidermolysis bullosa simplex due to BP230 deficiency. Identifiers: Orphanet 412181, MedGen C3809470, MONDO:0014180, OMIM 615425.

Allele frequency attached by ClinVar (database versions not stated): gnomAD 0.00003; TOPMed 0.00004.
gnomAD v4.1: 56 of 1,612,376 alleles (0.0035%); highest among the groups gnomAD compares: Non-Finnish European, 0.0047%; no homozygotes.

Submission:

Labcorp Genetics (formerly Invitae), Labcorp
Classification: Uncertain significance for Epidermolysis bullosa simplex 3, localized or generalized intermediate, with BP230 deficiency; Hereditary sensory and autonomic neuropathy type 6. Last evaluated: 2022-03-12. Review status: criteria provided, single submitter. Criteria: Invitae Variant Classification Sherloc (09022015). Collection method: clinical testing. Allele origin: germline.
Comment: The DST gene has multiple clinically relevant transcripts. This variant occurs in alternate transcript NM_015548.4, and corresponds to NM_001723.5(DST):c.*16950T>A in the primary transcript. In summary, the available evidence is currently insufficient to determine the role of this variant in disease. Therefore, it has been classified as a Variant of Uncertain Significance. Experimental studies and prediction algorithms are not available or were not evaluated, and the functional significance of this variant is currently unknown. This variant has not been reported in the literature in individuals affected with DST-related conditions. This variant is not present in population databases (gnomAD no frequency). This sequence change replaces isoleucine, which is neutral and non-polar, with lysine, which is basic and polar, at codon 1323 of the DST protein (p.Ile1323Lys).

NM_001374736.1(DST):c.11837T>A (p.Ile3946Lys)

Gene: DST (dystonin; minus strand). Cytogenetic location: 6p12.1.
Variant type: single nucleotide variant.
Coding change: c.11837T>A on transcript NM_001374736.1 (MANE Select); coding-DNA position 11837, T replaced by A.
Protein change: p.Ile3946Lys; replaces isoleucine 3946 with lysine.
Molecular consequence: missense variant.
Genome position (GRCh38, 1-based): chr6:56,598,567, A>T on the plus strand (T>A on the coding strand, the complement: DST is on the minus strand). VCF-style: chr6-56598567-A-T. GRCh37 (hg19) VCF-style: chr6-56463365-A-T.
Other names: c.5480T>A, p.Ile1827Lys (NM_001144769.5); c.5066T>A, p.Ile1689Lys (NM_001144770.2); c.11837T>A, p.Ile3946Lys (NM_001374722.1); c.11204T>A, p.Ile3735Lys (NM_001374729.1); c.4946T>A, p.Ile1649Lys (NM_001374730.1, NM_001386100.1, NM_183380.4); c.11864T>A, p.Ile3955Lys (NM_001374734.1); c.3968T>A, p.Ile1323Lys (NM_015548.5); short protein forms I1323K, I1689K, I3946K, I1649K, I1827K, I3735K, I3955K.
Identifiers: ClinVar variation 1039947 (VCV001039947.5), dbSNP rs1475439102, ClinGen allele CA364529094.